The following is an entry in ClinVar:

NM_007055.4(POLR3A):c.604G>C (p.Glu202Gln)

Gene: POLR3A (RNA polymerase III subunit A; minus strand). Cytogenetic location: 10q22.3.
Variant type: single nucleotide variant.
Coding change: c.604G>C on transcript NM_007055.4 (MANE Select); coding-DNA position 604, G replaced by C.
Protein change: p.Glu202Gln; replaces glutamic acid 202 with glutamine.
Molecular consequence: missense variant.
Genome position (GRCh38, 1-based): chr10:78,024,590, C>G on the plus strand (G>C on the coding strand, the complement: POLR3A is on the minus strand). VCF-style: chr10-78024590-C-G. GRCh37 (hg19) VCF-style: chr10-79784348-C-G.
Other names: short protein forms E202Q.
Identifiers: ClinVar variation 1374441 (VCV001374441.8), dbSNP rs2131960646, ClinGen allele CA377346019.

ClinVar aggregate classification (germline): Uncertain significance (1 of 4 stars; one submission).

Submission:

Labcorp Genetics (formerly Invitae), Labcorp
Classification: Uncertain significance. Last evaluated: 2022-03-03. Review status: criteria provided, single submitter. Criteria: Invitae Variant Classification Sherloc (09022015). Collection method: clinical testing. Allele origin: germline.
Comment: This sequence change replaces glutamic acid, which is acidic and polar, with glutamine, which is neutral and polar, at codon 202 of the POLR3A protein (p.Glu202Gln). This variant is not present in population databases (gnomAD no frequency). In summary, the available evidence is currently insufficient to determine the role of this variant in disease. Therefore, it has been classified as a Variant of Uncertain Significance. Algorithms developed to predict the effect of missense changes on protein structure and function (SIFT, PolyPhen-2, Align-GVGD) all suggest that this variant is likely to be tolerated. This variant has not been reported in the literature in individuals affected with POLR3A-related conditions.